The following is an entry in ClinVar:

NM_173598.6(KSR2):c.769G>C (p.Ala257Pro)

Gene: KSR2 (kinase suppressor of ras 2; minus strand). Cytogenetic location: 12q24.23.
Variant type: single nucleotide variant.
Coding change: c.769G>C on transcript NM_173598.6 (MANE Select); coding-DNA position 769, G replaced by C.
Protein change: p.Ala257Pro; replaces alanine 257 with proline.
Molecular consequence: missense variant.
Genome position (GRCh38, 1-based): chr12:117,761,228, C>G on the plus strand (G>C on the coding strand, the complement: KSR2 is on the minus strand). VCF-style: chr12-117761228-C-G. GRCh37 (hg19) VCF-style: chr12-118199033-C-G.
Other names: short protein forms A257P.
Identifiers: ClinVar variation 3536658 (VCV003536658.2).

ClinVar aggregate classification (germline): Uncertain significance. Review status: criteria provided, multiple submitters, no conflicts (2 of 4 stars). 2 submissions from 2 submitters: Uncertain significance (2). Last evaluated 2024-11-07.

Conditions:
KSR2-related disorder. Also called: KSR2-related condition.

gnomAD v4.1: 1 of 1,542,670 alleles (0.000065%); highest among the groups gnomAD compares: Non-Finnish European, 0.000087%; no homozygotes.

Submissions (2):

PreventionGenetics, part of Exact Sciences
Classification: Uncertain significance for KSR2-related condition. Last evaluated: 2024-11-07. Review status: criteria provided, single submitter. Criteria: ACMG Guidelines, 2015. Collection method: clinical testing. Allele origin: germline.
Comment: The KSR2 c.682G>C variant is predicted to result in the amino acid substitution p.Ala228Pro. To our knowledge, this variant has not been reported in the literature. This variant is reported in 0.0012% of alleles in individuals of European (Non-Finnish) descent in gnomAD. At this time, the clinical significance of this variant is uncertain due to the absence of conclusive functional and genetic evidence.

Ambry Genetics
Classification: Uncertain significance. Last evaluated: 2024-10-23. Review status: criteria provided, single submitter. Criteria: Ambry Variant Classification Scheme 2023. Collection method: clinical testing. Allele origin: germline.